The following is an entry in ClinVar:

NM_018191.4(RCBTB1):c.1044G>A (p.Val348=)

Gene: RCBTB1 (RCC1 and BTB domain containing protein 1; minus strand). Cytogenetic location: 13q14.2.
Variant type: single nucleotide variant.
Coding change: c.1044G>A on transcript NM_018191.4 (MANE Select); coding-DNA position 1044, G replaced by A.
Protein change: p.Val348=; no amino-acid change (valine 348 retained).
Molecular consequence: synonymous variant. On other transcripts: non-coding transcript variant (2).
Genome position (GRCh38, 1-based): chr13:49,549,459, C>T on the plus strand (G>A on the coding strand, the complement: RCBTB1 is on the minus strand). VCF-style: chr13-49549459-C-T. GRCh37 (hg19) VCF-style: chr13-50123595-C-T.
Other names: c.1044G>A, p.Val348= (NM_001352500.2, NM_001352501.2, NM_001352502.2 and 3 more transcripts); c.465G>A, p.Val155= (NM_001352506.2).
Identifiers: ClinVar variation 1468902 (VCV001468902.8), dbSNP rs942924221, ClinGen allele CA249364706.

ClinVar aggregate classification (germline): Uncertain significance (1 of 4 stars; one submission).

Allele frequency attached by ClinVar (database versions not stated): gnomAD exomes below 0.00001; TOPMed below 0.00001; gnomAD 0.00001.
gnomAD v4.1: 1 of 1,606,872 alleles (0.000062%); highest among the groups gnomAD compares: Admixed American, 0.0017%; no homozygotes.

Submission:

Labcorp Genetics (formerly Invitae), Labcorp
Classification: Uncertain significance. Last evaluated: 2021-04-04. Review status: criteria provided, single submitter. Criteria: Invitae Variant Classification Sherloc (09022015). Collection method: clinical testing. Allele origin: germline.
Comment: This sequence change affects codon 348 of the RCBTB1 mRNA. It is a 'silent' change, meaning that it does not change the encoded amino acid sequence of the RCBTB1 protein. In summary, the available evidence is currently insufficient to determine the role of this variant in disease. Therefore, it has been classified as a Variant of Uncertain Significance. Algorithms developed to predict the effect of sequence changes on RNA splicing suggest that this variant may create or strengthen a splice site, but this prediction has not been confirmed by published transcriptional studies. This variant has not been reported in the literature in individuals with RCBTB1-related conditions. This variant is not present in population databases (ExAC no frequency).